The following is an entry in ClinVar:

NM_001042492.3(NF1):c.3809C>A (p.Ser1270Tyr)

Gene: NF1 (neurofibromin 1; plus strand). Cytogenetic location: 17q11.2.
Variant type: single nucleotide variant.
Coding change: c.3809C>A on transcript NM_001042492.3 (MANE Select); coding-DNA position 3809, C replaced by A.
Protein change: p.Ser1270Tyr; replaces serine 1270 with tyrosine.
Molecular consequence: missense variant.
Genome position (GRCh38, 1-based): chr17:31,235,711, C>A. VCF-style: chr17-31235711-C-A. GRCh37 (hg19) VCF-style: chr17-29562729-C-A.
Other names: c.3809C>A, p.Ser1270Tyr (NM_000267.4); short protein forms S1270Y.
Identifiers: ClinVar variation 3634540 (VCV003634540.3).

ClinVar aggregate classification (germline): Uncertain significance. Review status: criteria provided, multiple submitters, no conflicts (2 of 4 stars). 2 submissions from 2 submitters: Uncertain significance (2). Last evaluated 2026-07-07.

Conditions:
Neurofibromatosis, type 1 (NF1). Also called: Peripheral type neurofibromatosis; VON RECKLINGHAUSEN DISEASE; NEUROFIBROMATOSIS, TYPE I, SOMATIC; Neurofibromatosis, type I. Identifiers: Orphanet 636, MedGen C0027831, MONDO:0018975, OMIM 162200. Disease mechanism: loss of function.
Hereditary cancer-predisposing syndrome. Also called: Hereditary neoplastic syndrome; Neoplastic Syndromes, Hereditary; Tumor predisposition; Hereditary Cancer Syndrome. Identifiers: Orphanet 140162, MedGen C0027672, MeSH D009386, MONDO:0015356.
Cardiovascular phenotype. Identifiers: MedGen CN230736.

Submissions (2):

Ambry Genetics
Classification: Uncertain significance for Cardiovascular phenotype; Hereditary cancer-predisposing syndrome. Last evaluated: 2026-07-07. Review status: criteria provided, single submitter. Criteria: Ambry Variant Classification Scheme 2023. Collection method: clinical testing. Allele origin: germline.
Comment: The p.S1270Y variant (also known as c.3809C>A), located in coding exon 28 of the NF1 gene, results from a C to A substitution at nucleotide position 3809. The serine at codon 1270 is replaced by tyrosine, an amino acid with dissimilar properties. This amino acid position is conserved. In addition, this alteration is predicted to be deleterious by in silico analysis. Based on the available evidence, the clinical significance of this variant remains unclear.

Labcorp Genetics (formerly Invitae), Labcorp
Classification: Uncertain significance for Neurofibromatosis, type 1. Last evaluated: 2024-03-19. Review status: criteria provided, single submitter. Criteria: Invitae Variant Classification Sherloc (09022015). Collection method: clinical testing. Allele origin: germline.
Comment: This sequence change replaces serine, which is neutral and polar, with tyrosine, which is neutral and polar, at codon 1270 of the NF1 protein (p.Ser1270Tyr). This variant is not present in population databases (gnomAD no frequency). This variant has not been reported in the literature in individuals affected with NF1-related conditions. Advanced modeling of protein sequence and biophysical properties (such as structural, functional, and spatial information, amino acid conservation, physicochemical variation, residue mobility, and thermodynamic stability) performed at Invitae indicates that this missense variant is expected to disrupt NF1 protein function with a positive predictive value of 95%. In summary, the available evidence is currently insufficient to determine the role of this variant in disease. Therefore, it has been classified as a Variant of Uncertain Significance.